The following is an entry in ClinVar:

NM_000081.4(LYST):c.6496A>G (p.Ser2166Gly)

Gene: LYST (lysosomal trafficking regulator; minus strand). Cytogenetic location: 1q42.3.
Variant type: single nucleotide variant.
Coding change: c.6496A>G on transcript NM_000081.4 (MANE Select); coding-DNA position 6496, A replaced by G.
Protein change: p.Ser2166Gly; replaces serine 2166 with glycine.
Molecular consequence: missense variant.
Genome position (GRCh38, 1-based): chr1:235,759,357, T>C on the plus strand (A>G on the coding strand, the complement: LYST is on the minus strand). VCF-style: chr1-235759357-T-C. GRCh37 (hg19) VCF-style: chr1-235922657-T-C.
Other names: c.6496A>G, p.Ser2166Gly (NM_001301365.1); short protein forms S2166G.
Identifiers: ClinVar variation 1381129 (VCV001381129.3), dbSNP rs766092229, ClinGen allele CA1466359.

ClinVar aggregate classification (germline): Uncertain significance (1 of 4 stars; one submission).

Conditions:
Chédiak-Higashi syndrome (CHS). Also called: Chediak-Higashi Syndrome. Identifiers: Orphanet 167, MedGen C0007965, MONDO:0008963, OMIM 214500.

Allele frequency attached by ClinVar (database versions not stated): gnomAD 0.00001; TOPMed 0.00002.
gnomAD v4.1: 4 of 1,614,114 alleles (0.00025%); highest among the groups gnomAD compares: African/African-American, 0.0013%; no homozygotes.

Submission:

Labcorp Genetics (formerly Invitae), Labcorp
Classification: Uncertain significance for Chédiak-Higashi syndrome. Last evaluated: 2022-10-13. Review status: criteria provided, single submitter. Criteria: Invitae Variant Classification Sherloc (09022015). Collection method: clinical testing. Allele origin: germline.
Comment: This sequence change replaces serine, which is neutral and polar, with glycine, which is neutral and non-polar, at codon 2166 of the LYST protein (p.Ser2166Gly). This variant is present in population databases (rs766092229, gnomAD 0.002%). This variant has not been reported in the literature in individuals affected with LYST-related conditions. ClinVar contains an entry for this variant (Variation ID: 1381129). Advanced modeling of protein sequence and biophysical properties (such as structural, functional, and spatial information, amino acid conservation, physicochemical variation, residue mobility, and thermodynamic stability) has been performed at Invitae for this missense variant, however the output from this modeling did not meet the statistical confidence thresholds required to predict the impact of this variant on LYST protein function. In summary, the available evidence is currently insufficient to determine the role of this variant in disease. Therefore, it has been classified as a Variant of Uncertain Significance.